The following is an entry in ClinVar:

ClinVar aggregate classification (germline): Uncertain significance (1 of 4 stars; one submission).

Conditions:
Kabuki syndrome. Also called: NIIKAWA-KUROKI SYNDROME; Kabuki make-up syndrome. Identifiers: Orphanet 2322, MedGen C0796004, MONDO:0016512.

Submission:

Labcorp Genetics (formerly Invitae), Labcorp
Classification: Uncertain significance for Kabuki syndrome. Last evaluated: 2024-05-27. Review status: criteria provided, single submitter. Criteria: Invitae Variant Classification Sherloc (09022015). Collection method: clinical testing. Allele origin: germline.
Comment: This sequence change replaces glutamic acid, which is acidic and polar, with glycine, which is neutral and non-polar, at codon 830 of the KMT2D protein (p.Glu830Gly). This variant is not present in population databases (gnomAD no frequency). This variant has not been reported in the literature in individuals affected with KMT2D-related conditions. Advanced modeling of protein sequence and biophysical properties (such as structural, functional, and spatial information, amino acid conservation, physicochemical variation, residue mobility, and thermodynamic stability) performed at Invitae indicates that this missense variant is not expected to disrupt KMT2D protein function with a negative predictive value of 95%. In summary, the available evidence is currently insufficient to determine the role of this variant in disease. Therefore, it has been classified as a Variant of Uncertain Significance.

NM_003482.4(KMT2D):c.2489A>G (p.Glu830Gly)

Gene: KMT2D (lysine methyltransferase 2D; minus strand). Cytogenetic location: 12q13.12.
Variant type: single nucleotide variant.
Coding change: c.2489A>G on transcript NM_003482.4 (MANE Select); coding-DNA position 2489, A replaced by G.
Protein change: p.Glu830Gly; replaces glutamic acid 830 with glycine.
Molecular consequence: missense variant.
Genome position (GRCh38, 1-based): chr12:49,051,194, T>C on the plus strand (A>G on the coding strand, the complement: KMT2D is on the minus strand). VCF-style: chr12-49051194-T-C. GRCh37 (hg19) VCF-style: chr12-49444977-T-C.
Other names: short protein forms E830G.
Identifiers: ClinVar variation 3677438 (VCV003677438.2).